The following is an entry in ClinVar:

ClinVar aggregate classification (germline): Uncertain significance. Review status: criteria provided, multiple submitters, no conflicts (2 of 4 stars). 6 submissions from 6 submitters: Uncertain significance (5). 1 of the submissions does not count toward it. Last evaluated 2025-01-24.

Conditions:
Hereditary cancer-predisposing syndrome. Also called: Neoplastic Syndromes, Hereditary; Tumor predisposition; Hereditary Cancer Syndrome; Hereditary neoplastic syndrome. Identifiers: Orphanet 140162, MedGen C0027672, MeSH D009386, MONDO:0015356.
Familial cancer of breast. Also called: BREAST CANCER, FAMILIAL; hereditary breast carcinoma; Hereditary breast cancer. Identifiers: Orphanet 227535, MedGen C0346153, MONDO:0016419, OMIM 114480. Disease mechanism: loss of function.

Allele frequency attached by ClinVar (database versions not stated): gnomAD exomes below 0.00001 and 0.00001; ExAC 0.00002.

Submissions (6):

Ambry Genetics
Classification: Uncertain significance for Hereditary cancer-predisposing syndrome. Last evaluated: 2025-01-24. Review status: criteria provided, single submitter. Criteria: Ambry Variant Classification Scheme 2023. Collection method: clinical testing. Allele origin: germline.
Comment: The p.V989I variant (also known as c.2965G>A), located in coding exon 9 of the PALB2 gene, results from a G to A substitution at nucleotide position 2965. The valine at codon 989 is replaced by isoleucine, an amino acid with highly similar properties. In one study, this alteration was observed in 0/3236 cases with invasive epithelial ovarian cancer and 1/3431 controls (Ramus SJ et al. J Natl Cancer Inst, 2015 Nov;107). This amino acid position is well conserved in available vertebrate species; however, isoleucine is the reference amino acid in other vertebrate species. In addition, this alteration is predicted to be tolerated by in silico analysis. Since supporting evidence is limited at this time, the clinical significance of this alteration remains unclear.

Color Diagnostics, LLC DBA Color Health
Classification: Uncertain significance for Hereditary cancer-predisposing syndrome. Last evaluated: 2024-09-30. Review status: criteria provided, single submitter. Criteria: ACMG Guidelines, 2015. Collection method: clinical testing. Allele origin: germline.
Comment: This missense variant replaces valine with isoleucine at codon 989 of the PALB2 protein. Computational prediction suggests that this variant may not impact protein structure and function. To our knowledge, functional studies have not been reported for this variant. This variant has been reported in an ovarian cancer case-control study in 1/3431 unaffected individuals and absent in 3236 cases (PMID: 26315354). This variant has been identified in 2/251468 chromosomes in the general population by the Genome Aggregation Database (gnomAD). The available evidence is insufficient to determine the role of this variant in disease conclusively. Therefore, this variant is classified as a Variant of Uncertain Significance.

Myriad Genetics, Inc.
Classification: Uncertain significance for Familial cancer of breast. Last evaluated: 2023-03-30. Review status: criteria provided, single submitter. Criteria: Myriad Autosomal Dominant, Autosomal Recessive and X-Linked Classification Criteria (2023). Collection method: clinical testing. Allele origin: unknown.
Comment: This variant is classified as a variant of uncertain significance as there is insufficient evidence to determine its impact on protein function and/or cancer risk.

GeneDx
Classification: Uncertain significance. Last evaluated: 2022-11-30. Review status: criteria provided, single submitter. Criteria: GeneDx Variant Classification Process June 2021. Collection method: clinical testing. Allele origin: germline. Affected: yes.
Comment: In silico analysis supports that this missense variant does not alter protein structure/function; Not observed at significant frequency in large population cohorts (gnomAD); Observed in 1/3,431 controls and 0/3,236 patients with invasive ovarian cancer (Ramus et al., 2015); This variant is associated with the following publications: (PMID: 31854063, 19609323, 20871615, 24485656, 26315354)

Labcorp Genetics (formerly Invitae), Labcorp
Classification: Uncertain significance for Familial cancer of breast. Last evaluated: 2022-10-17. Review status: criteria provided, single submitter. Criteria: Invitae Variant Classification Sherloc (09022015). Collection method: clinical testing. Allele origin: germline.
Comment: In summary, the available evidence is currently insufficient to determine the role of this variant in disease. Therefore, it has been classified as a Variant of Uncertain Significance. Advanced modeling of protein sequence and biophysical properties (such as structural, functional, and spatial information, amino acid conservation, physicochemical variation, residue mobility, and thermodynamic stability) performed at Invitae indicates that this missense variant is not expected to disrupt PALB2 protein function. ClinVar contains an entry for this variant (Variation ID: 230356). This variant has not been reported in the literature in individuals affected with PALB2-related conditions. This variant is present in population databases (rs764140747, gnomAD 0.006%). This sequence change replaces valine, which is neutral and non-polar, with isoleucine, which is neutral and non-polar, at codon 989 of the PALB2 protein (p.Val989Ile).

Counsyl
Classification: Uncertain significance for Familial cancer of breast. Last evaluated: 2018-05-16. Review status: no assertion criteria provided. Collection method: clinical testing. Allele origin: unknown. Not counted in ClinVar's aggregate classification.

Literature cited by the submitters: PubMed 26315354 (cited by 3 submitters).

NM_024675.4(PALB2):c.2965G>A (p.Val989Ile)

Gene: PALB2 (partner and localizer of BRCA2; minus strand). Cytogenetic location: 16p12.2.
Variant type: single nucleotide variant.
Coding change: c.2965G>A on transcript NM_024675.4 (MANE Select); coding-DNA position 2965, G replaced by A.
Protein change: p.Val989Ile; replaces valine 989 with isoleucine.
Molecular consequence: missense variant.
Genome position (GRCh38, 1-based): chr16:23,623,000, C>T on the plus strand (G>A on the coding strand, the complement: PALB2 is on the minus strand). VCF-style: chr16-23623000-C-T. GRCh37 (hg19) VCF-style: chr16-23634321-C-T.
Other names: short protein forms V989I.
Identifiers: ClinVar variation 230356 (VCV000230356.20), dbSNP rs764140747, ClinGen allele CA7963459.
Genomic context (GRCh38, chr16:23,623,000, plus strand): 5'-AGTTAAAAATCAATCAATGCTTTTCTTACCCTCCATCTTCTGCAAACGTCATGACTTCTA[C>T]TTGTTGATCAGAAAGGGTCCCACTGCTACTAACTAGCCTCCTCTTTGTCAGGCCAAGCAC-3'
Protein context (NP_078951.2, residues 979-999): SSSGTLSDQQ[Val989Ile]EVMTFAEDGG